The following is an entry in ClinVar:

ClinVar aggregate classification (germline): Likely benign. Review status: criteria provided, multiple submitters, no conflicts (2 of 4 stars). 2 submissions from 2 submitters: Likely benign (2). Last evaluated 2024-09-16.

Allele frequency attached by ClinVar (database versions not stated): ExAC 0.00010; gnomAD exomes 0.00012; ESP Exome Variant Server 0.00015; TOPMed 0.00015; 1000 Genomes Project 30x 0.00016; 1000 Genomes Project 0.00020; gnomAD 0.00021.
gnomAD v4.1: 366 of 1,542,160 alleles (0.024%); highest among the groups gnomAD compares: Non-Finnish European, 0.03%; no homozygotes.

Submissions (2):

Labcorp Genetics (formerly Invitae), Labcorp
Classification: Likely benign. Last evaluated: 2024-09-16. Review status: criteria provided, single submitter. Criteria: Invitae Variant Classification Sherloc (09022015). Collection method: clinical testing. Allele origin: germline.

CeGaT Center for Human Genetics Tuebingen
Classification: Likely benign. Last evaluated: 2023-01-01. Review status: criteria provided, single submitter. Criteria: CeGaT Center For Human Genetics Tuebingen Variant Classification Criteria Version 2. Collection method: clinical testing. Allele origin: germline. Affected: yes. Observed: 1 variant allele.
Comment: LETM1: BP4, BP7

NM_012318.3(LETM1):c.1521G>A (p.Pro507=)

Gene: LETM1 (leucine zipper and EF-hand containing transmembrane protein 1; minus strand). Cytogenetic location: 4p16.3.
Variant type: single nucleotide variant.
Coding change: c.1521G>A on transcript NM_012318.3 (MANE Select); coding-DNA position 1521, G replaced by A.
Protein change: p.Pro507=; no amino-acid change (proline 507 retained).
Molecular consequence: synonymous variant.
Genome position (GRCh38, 1-based): chr4:1,822,268, C>T on the plus strand (G>A on the coding strand, the complement: LETM1 is on the minus strand). VCF-style: chr4-1822268-C-T. GRCh37 (hg19) VCF-style: chr4-1823995-C-T.
Identifiers: ClinVar variation 763365 (VCV000763365.33), dbSNP rs146433419, ClinGen allele CA2811230.